The following is an entry in ClinVar:

NM_020732.3:c.1840_1841dupTA

Gene: ARID1B (AT-rich interaction domain 1B; plus strand).
Variant type: Duplication.
Other names: c.1840_1841dupTA (NM_020732.3).
Identifiers: ClinVar variation 4143682 (VCV004143682.1).

ClinVar aggregate classification (germline): Pathogenic (1 of 4 stars; one submission).

Conditions:
Inborn genetic diseases. Identifiers: MedGen C0950123, MeSH D030342.

Submission:

Ambry Genetics
Classification: Pathogenic for Inborn genetic diseases. Last evaluated: 2025-09-03. Review status: criteria provided, single submitter. Criteria: Ambry Variant Classification Scheme 2023. Collection method: clinical testing. Allele origin: germline.
Comment: The c.1840_1841dupTA (p.S615Tfs*54) alteration, located in exon 4 (coding exon 4) of the ARID1B gene, consists of a duplication of TA at position 1840, causing a translational frameshift with a predicted alternate stop codon after 54 amino acids. This alteration is expected to result in loss of function by premature protein truncation or nonsense-mediated mRNA decay. This variant was not reported in population-based cohorts in the Genome Aggregation Database (gnomAD). Based on the available evidence, this alteration is classified as pathogenic.